The following is an entry in ClinVar:

NM_002506.3(NGF):c.284G>A (p.Arg95His)

Genes: NGF-AS1 (NGF antisense RNA 1; plus strand), NGF (nerve growth factor; minus strand). Cytogenetic location: 1p13.2.
Variant type: single nucleotide variant.
Coding change: c.284G>A on transcript NM_002506.3 (MANE Select); coding-DNA position 284, G replaced by A.
Protein change: p.Arg95His; replaces arginine 95 with histidine.
Molecular consequence: missense variant.
Genome position (GRCh38, 1-based): chr1:115,286,512, C>T on the plus strand (G>A on the coding strand, the complement: NGF is on the minus strand). VCF-style: chr1-115286512-C-T. GRCh37 (hg19) VCF-style: chr1-115829133-C-T.
Other names: short protein forms R95H.
Identifiers: ClinVar variation 245874 (VCV000245874.20), dbSNP rs150136942, ClinGen allele CA1023001.
Genomic context (GRCh38, chr1:115,286,512, plus strand): 5'-CTGTTGAAGGGGGCAGCACCACCGACCTCGAAGTCCAGATCCTGAGTGTCTGCAGCTTCA[C>T]GGGGAGGCTGGGTGCTAAACAGCACACGGGGTGAACGGAGTCGCCGCTTTTTAAACAGCC-3'
Protein context (NP_002497.2, residues 85-105): PRVLFSTQPP[Arg95His]EAADTQDLDF

ClinVar aggregate classification (germline): Likely benign. Review status: criteria provided, multiple submitters, no conflicts (2 of 4 stars). 7 submissions from 7 submitters: Likely benign (7). Last evaluated 2026-05-11.

Conditions:
Inborn genetic diseases. Identifiers: MedGen C0950123, MeSH D030342.
Congenital sensory neuropathy with selective loss of small myelinated fibers (HSAN5). Also called: HSAN Type V. Identifiers: Orphanet 64752, MedGen C0020075, MONDO:0012092, OMIM 608654.
NGF-related disorder. Also called: NGF-related condition.

Allele frequency attached by ClinVar (database versions not stated): 1000 Genomes Project 0.00020; gnomAD exomes 0.00026; ExAC 0.00033; 1000 Genomes Project 30x 0.00047; ESP Exome Variant Server 0.00077; gnomAD 0.00096 and 0.00106; TOPMed 0.00120.
gnomAD v4.1: 360 of 1,614,158 alleles (0.022%); highest among the groups gnomAD compares: African/African-American, 0.34%; 1 homozygote.

Submissions (7):

Women's Health and Genetics/Laboratory Corporation of America, LabCorp
Classification: Likely benign. Last evaluated: 2026-05-11. Review status: criteria provided, single submitter. Criteria: LabCorp Variant Classification Summary - May 2015. Collection method: clinical testing. Allele origin: germline.
Comment: Variant summary: NGF c.284G>A (p.Arg95His) results in a non-conservative amino acid change in the encoded protein sequence. Algorithms developed to predict the effect of missense changes on protein structure and function are either unavailable or do not agree on the potential impact of this missense change. The variant allele was found at a frequency of 0.00026 in 251288 control chromosomes, predominantly at a frequency of 0.003 within the African or African-American subpopulation in the gnomAD database. The observed variant frequency within African or African-American control individuals in the gnomAD database exceeds the estimated maximal expected allele frequency for disease-causing variants in NGF, providing supporting evidence for a benign role. To our knowledge, no occurrence of c.284G>A in individuals affected with NGF-related conditions and no experimental evidence demonstrating its impact on protein function have been reported. ClinVar contains an entry for this variant (Variation ID: 245874). Based on the evidence outlined above, the variant was classified as likely benign.

Labcorp Genetics (formerly Invitae), Labcorp
Classification: Likely benign for Congenital sensory neuropathy with selective loss of small myelinated fibers. Last evaluated: 2025-12-16. Review status: criteria provided, single submitter. Criteria: Invitae Variant Classification Sherloc (09022015). Collection method: clinical testing. Allele origin: germline.

PreventionGenetics, part of Exact Sciences
Classification: Likely benign for NGF-related condition. Last evaluated: 2025-03-30. Review status: criteria provided, single submitter. Criteria: ACMG Guidelines, 2015. Collection method: clinical testing. Allele origin: germline.
Comment: This variant is classified as likely benign based on ACMG/AMP sequence variant interpretation guidelines (Richards et al. 2015 PMID: 25741868, with internal and published modifications).

ARUP Laboratories, Molecular Genetics and Genomics, ARUP Laboratories
Classification: Likely benign for Congenital sensory neuropathy with selective loss of small myelinated fibers. Last evaluated: 2024-08-02. Review status: criteria provided, single submitter. Criteria: ARUP Molecular Germline Variant Investigation Process 2024. Collection method: clinical testing. Allele origin: germline.

Genome-Nilou Lab
Classification: Likely benign for Congenital sensory neuropathy with selective loss of small myelinated fibers. Last evaluated: 2023-04-11. Review status: criteria provided, single submitter. Criteria: ACMG Guidelines, 2015. Collection method: clinical testing. Allele origin: germline. Affected: no.

Ambry Genetics
Classification: Likely benign for Inborn genetic diseases. Last evaluated: 2020-03-25. Review status: criteria provided, single submitter. Criteria: Ambry Variant Classification Scheme 2023. Collection method: clinical testing. Allele origin: germline.

GeneDx
Classification: Likely benign. Last evaluated: 2020-02-12. Review status: criteria provided, single submitter. Criteria: GeneDx Variant Classification Process June 2021. Collection method: clinical testing. Allele origin: germline. Affected: yes.